The following is an entry in ClinVar:

NM_000535.7(PMS2):c.2317A>G (p.Ser773Gly)

Gene: PMS2 (PMS1 homolog 2, mismatch repair system component; minus strand). Cytogenetic location: 7p22.1.
Variant type: single nucleotide variant.
Coding change: c.2317A>G on transcript NM_000535.7 (MANE Select); coding-DNA position 2317, A replaced by G.
Protein change: p.Ser773Gly; replaces serine 773 with glycine.
Molecular consequence: missense variant.
Genome position (GRCh38, 1-based): chr7:5,977,716, T>C on the plus strand (A>G on the coding strand, the complement: PMS2 is on the minus strand). VCF-style: chr7-5977716-T-C. GRCh37 (hg19) VCF-style: chr7-6017347-T-C.
Other names: c.1912A>G, p.Ser638Gly (NM_001322003.2, NM_001322004.2, NM_001322005.2); c.2161A>G, p.Ser721Gly (NM_001322006.2); c.1999A>G, p.Ser667Gly (NM_001322007.2, NM_001322008.2); c.1945A>G, p.Ser649Gly (NM_001322009.2); c.1756A>G, p.Ser586Gly (NM_001322010.2); c.1384A>G, p.Ser462Gly (NM_001322011.2, NM_001322012.2); c.1744A>G, p.Ser582Gly (NM_001322013.2); c.2350A>G, p.Ser784Gly (NM_001322014.2); and 1 more; short protein forms S773G, S784G, S462G, S582G, S586G, S649G, S670G, S721G.
Identifiers: ClinVar variation 141094 (VCV000141094.18), dbSNP rs587781489, ClinGen allele CA011227.

ClinVar aggregate classification (germline): Uncertain significance. Review status: criteria provided, multiple submitters, no conflicts (2 of 4 stars). 6 submissions from 6 submitters: Uncertain significance (6). Last evaluated 2026-02-11.

Conditions:
Hereditary nonpolyposis colorectal neoplasms. Identifiers: MedGen C0009405, MeSH D003123.
Hereditary cancer-predisposing syndrome. Also called: Neoplastic Syndromes, Hereditary; Tumor predisposition; Hereditary Cancer Syndrome; Hereditary neoplastic syndrome. Identifiers: Orphanet 140162, MedGen C0027672, MeSH D009386, MONDO:0015356.
Lynch syndrome 4 (LYNCH4). Also called: Colorectal cancer, hereditary nonpolyposis, type 4; Hereditary non-polyposis colorectal cancer, type 4. Identifiers: Orphanet 144, MedGen C1838333, MONDO:0013699, OMIM 614337. Disease mechanism: loss of function.

Allele frequency attached by ClinVar (database versions not stated): gnomAD exomes 0.00001.
gnomAD v4.1: 17 of 1,606,622 alleles (0.0011%); highest among the groups gnomAD compares: Non-Finnish European, 0.0014%; 3 homozygotes.

Submissions (6):

St. Jude Molecular Pathology, St. Jude Children's Research Hospital
Classification: Uncertain significance for Lynch syndrome 4. Last evaluated: 2026-02-11. Review status: criteria provided, single submitter. Criteria: St. Jude Assertion Criteria 2020. Collection method: clinical testing. Allele origin: germline.
Comment: The PMS2 c.2317A>G p.(Ser773Gly) missense change is absent in gnomAD v2.1.1. In silico tools are inconclusive about a pathogenic or benign effect of this variant on protein function. To our knowledge, this variant has not been reported in individuals with Lynch syndrome or constitutional mismatch repair deficiency. In summary, the evidence currently available is insufficient to determine the clinical significance of this variant. It has therefore been classified as of uncertain significance.

Center for Genomic Medicine, Rigshospitalet, Copenhagen University Hospital
Classification: Uncertain significance. Last evaluated: 2025-12-29. Review status: criteria provided, single submitter. Criteria: ACMG Guidelines, 2015. Collection method: clinical testing. Allele origin: germline.

Ambry Genetics
Classification: Uncertain significance for Hereditary cancer-predisposing syndrome. Last evaluated: 2025-07-21. Review status: criteria provided, single submitter. Criteria: Ambry Variant Classification Scheme 2023. Collection method: clinical testing. Allele origin: germline.
Comment: The p.S773G variant (also known as c.2317A>G), located in coding exon 14 of the PMS2 gene, results from an A to G substitution at nucleotide position 2317. The serine at codon 773 is replaced by glycine, an amino acid with similar properties. This amino acid position is highly conserved in available vertebrate species. In addition, this alteration is predicted to be deleterious by in silico analysis. Since supporting evidence is limited at this time, the clinical significance of this alteration remains unclear.

Labcorp Genetics (formerly Invitae), Labcorp
Classification: Uncertain significance for Hereditary nonpolyposis colorectal neoplasms. Last evaluated: 2025-03-25. Review status: criteria provided, single submitter. Criteria: Invitae Variant Classification Sherloc (09022015). Collection method: clinical testing. Allele origin: germline.
Comment: This sequence change replaces serine, which is neutral and polar, with glycine, which is neutral and non-polar, at codon 773 of the PMS2 protein (p.Ser773Gly). The frequency data for this variant in the population databases (gnomAD) is considered unreliable due to the presence of homologous sequence, such as pseudogenes or paralogs, in the genome. This variant has not been reported in the literature in individuals affected with PMS2-related conditions. ClinVar contains an entry for this variant (Variation ID: 141094). Invitae Evidence Modeling incorporating data from in vitro experimental studies (internal data) indicates that this missense variant is not expected to disrupt PMS2 function with a negative predictive value of 95%. In summary, the available evidence is currently insufficient to determine the role of this variant in disease. Therefore, it has been classified as a Variant of Uncertain Significance.

Sema4
Classification: Uncertain significance for Hereditary cancer-predisposing syndrome. Last evaluated: 2022-03-12. Review status: criteria provided, single submitter. Criteria: Sema4 Curation Guidelines. Collection method: curation. Allele origin: germline.
Comment: The PMS2 c.2317A>G (p.S773G) variant has been reported in a large breast cancer case-control study in 1/60,466 cases and 1/53,461 controls (PMID: 33471991). This variant is not reported in the population database Genome Aggregation Database (PMID: 32461654). The variant has been reported in ClinVar (Variation ID: 141094). Functional studies have not been performed, and in silico predictions of the variant's effect on protein function are inconclusive. The evidence is insufficient to meet ACMG/AMP criteria for classifying the variant as benign or pathogenic. Thus, the clinical significance of this variant is currently uncertain.

Women's Health and Genetics/Laboratory Corporation of America, LabCorp
Classification: Uncertain significance. Last evaluated: 2018-02-09. Review status: criteria provided, single submitter. Criteria: LabCorp Variant Classification Summary - May 2015. Collection method: clinical testing. Allele origin: germline.
Comment: Variant summary: PMS2 c.2317A>G (p.Ser773Gly) results in a non-conservative amino acid change located in the MutL, C-terminal, dimerisation of the encoded protein sequence and five of five in-silico tools predict a damaging effect of the variant on protein function. However, these predictions have yet to be functionally assessed. The variant was absent in 120728 control chromosomes (ExAC). The available data on variant occurrences in the general population are insufficient to allow any conclusion about variant significance. To our knowledge, no occurrence of c.2317A>G in individuals affected with Lynch Syndrome. Multiple clinical diagnostic laboratory submissions via ClinVar (evaluation after 2014) classify the variant as "uncertain significiance." Based on the evidence outlined above, the variant was classified as uncertain significance.

Literature cited by the submitters: PubMed 33471991 (cited by Sema4).